The following is an entry in ClinVar:

ClinVar aggregate classification (germline): Uncertain significance (1 of 4 stars; one submission).

Conditions:
Catecholaminergic polymorphic ventricular tachycardia 1. Also called: VENTRICULAR TACHYCARDIA, STRESS-INDUCED POLYMORPHIC 1; RYR2-Related Catecholaminergic Polymorphic Ventricular Tachycardia; VENTRICULAR TACHYCARDIA, CATECHOLAMINERGIC POLYMORPHIC, 1, WITH OR WITHOUT ATRIAL DYSFUNCTION AND/OR DILATED CARDIOMYOPATHY. Identifiers: Orphanet 3286, MedGen C1631597, MONDO:0011484, OMIM 604772.

Submission:

Labcorp Genetics (formerly Invitae), Labcorp
Classification: Uncertain significance for Catecholaminergic polymorphic ventricular tachycardia 1. Last evaluated: 2025-05-26. Review status: criteria provided, single submitter. Criteria: Invitae Variant Classification Sherloc (09022015). Collection method: clinical testing. Allele origin: germline.
Comment: This sequence change replaces valine, which is neutral and non-polar, with leucine, which is neutral and non-polar, at codon 2081 of the RYR2 protein (p.Val2081Leu). This variant is not present in population databases (gnomAD no frequency). This variant has not been reported in the literature in individuals affected with RYR2-related conditions. Invitae Evidence Modeling of protein sequence and biophysical properties (such as structural, functional, and spatial information, amino acid conservation, physicochemical variation, residue mobility, and thermodynamic stability) indicates that this missense variant is expected to disrupt RYR2 protein function with a positive predictive value of 95%. In summary, the available evidence is currently insufficient to determine the role of this variant in disease. Therefore, it has been classified as a Variant of Uncertain Significance.

NM_001035.3(RYR2):c.6241G>T (p.Val2081Leu)

Gene: RYR2 (ryanodine receptor 2; plus strand). Cytogenetic location: 1q43.
Variant type: single nucleotide variant.
Coding change: c.6241G>T on transcript NM_001035.3 (MANE Select); coding-DNA position 6241, G replaced by T.
Protein change: p.Val2081Leu; replaces valine 2081 with leucine.
Molecular consequence: missense variant.
Genome position (GRCh38, 1-based): chr1:237,627,881, G>T. VCF-style: chr1-237627881-G-T. GRCh37 (hg19) VCF-style: chr1-237791181-G-T.
Other names: short protein forms V2081L.
Identifiers: ClinVar variation 4800078 (VCV004800078.1).